The following is an entry in ClinVar:

NM_001379286.1(ZNF423):c.819C>T (p.Cys273=)

Gene: ZNF423 (zinc finger protein 423; minus strand). Cytogenetic location: 16q12.1.
Variant type: single nucleotide variant.
Coding change: c.819C>T on transcript NM_001379286.1 (MANE Select); coding-DNA position 819, C replaced by T.
Protein change: p.Cys273=; no amino-acid change (cysteine 273 retained).
Molecular consequence: synonymous variant.
Genome position (GRCh38, 1-based): chr16:49,638,357, G>A on the plus strand (C>T on the coding strand, the complement: ZNF423 is on the minus strand). VCF-style: chr16-49638357-G-A. GRCh37 (hg19) VCF-style: chr16-49672268-G-A.
Other names: c.615C>T, p.Cys205= (NM_001271620.2); c.444C>T, p.Cys148= (NM_001330533.2); c.795C>T, p.Cys265= (NM_015069.5).
Identifiers: ClinVar variation 286686 (VCV000286686.41), dbSNP rs201499268, ClinGen allele CA8046817.

ClinVar aggregate classification (germline): Conflicting classifications of pathogenicity. Review status: criteria provided, conflicting classifications (1 of 4 stars). 5 submissions from 5 submitters: Uncertain significance (1); Benign (1); Likely benign (3). Last evaluated 2026-07-01.

Conditions:
Nephronophthisis 14 (NPHP14). Identifiers: Orphanet 2318, MedGen C3539071, MONDO:0013916, OMIM 614844.

Allele frequency attached by ClinVar (database versions not stated): 1000 Genomes Project 0.00020; ESP Exome Variant Server 0.00023; 1000 Genomes Project 30x 0.00031; TOPMed 0.00032; gnomAD exomes 0.00064 and 0.00075; ExAC 0.00071; gnomAD 0.00084.
gnomAD v4.1: 1,065 of 1,614,054 alleles (0.066%); highest among the groups gnomAD compares: Non-Finnish European, 0.064%; 1 homozygote.

Submissions (5):

CeGaT Center for Human Genetics Tuebingen
Classification: Likely benign. Last evaluated: 2026-07-01. Review status: criteria provided, single submitter. Criteria: CeGaT Center For Human Genetics Tuebingen Variant Classification Criteria Version 2. Collection method: clinical testing. Allele origin: germline. Affected: yes. Observed: 6 variant alleles.
Comment: ZNF423: BP4, BP7

Labcorp Genetics (formerly Invitae), Labcorp
Classification: Benign for Nephronophthisis 14. Last evaluated: 2026-01-12. Review status: criteria provided, single submitter. Criteria: Invitae Variant Classification Sherloc (09022015). Collection method: clinical testing. Allele origin: germline.

Laboratory of Genetics, Children's Clinical University Hospital Latvia
Classification: Likely benign. Last evaluated: 2025-02-16. Review status: criteria provided, single submitter. Criteria: ACMG Guidelines, 2015. Collection method: clinical testing. Allele origin: germline. Affected: yes.

Blueprint Genetics
Classification: Likely benign. Last evaluated: 2024-11-18. Review status: criteria provided, single submitter. Criteria: ACMG Guidelines, 2015. Collection method: clinical testing. Allele origin: germline.

Eurofins Ntd Llc (ga)
Classification: Uncertain significance. Last evaluated: 2016-03-24. Review status: criteria provided, single submitter. Criteria: EGL Classification Definitions 2015. Collection method: clinical testing. Allele origin: germline. Observed: 1 variant allele, 1 heterozygote.